The following is an entry in ClinVar:

NM_015450.3(POT1):c.1006+5G>A

Gene: POT1 (protection of telomeres 1; minus strand). Cytogenetic location: 7q31.33.
Variant type: single nucleotide variant.
Coding change: c.1006+5G>A on transcript NM_015450.3 (MANE Select); 5 bases into the intron after coding-DNA position 1006, G replaced by A.
Molecular consequence: intron variant.
Genome position (GRCh38, 1-based): chr7:124,846,937, C>T on the plus strand (G>A on the coding strand, the complement: POT1 is on the minus strand). VCF-style: chr7-124846937-C-T. GRCh37 (hg19) VCF-style: chr7-124486991-C-T.
Other names: c.613+5G>A (NM_001042594.2).
Identifiers: ClinVar variation 1783014 (VCV001783014.2), dbSNP rs2485418275, ClinGen allele CA2580076412.
Genomic context (GRCh38, chr7:124,846,937, plus strand): 5'-AGTGTAGAGGCAGACTTTATTATGCTCATTACTGTGCCCATCTCAAAAATGATACATAGT[C>T]TTACTTGTAGCAGATAGCTGTTGACATCTTTCTACCTCGTATAATGATACTGATCCAGAG-3'

ClinVar aggregate classification (germline): Uncertain significance (1 of 4 stars; one submission).

Conditions:
Hereditary cancer-predisposing syndrome. Also called: Neoplastic Syndromes, Hereditary; Tumor predisposition; Hereditary Cancer Syndrome; Hereditary neoplastic syndrome. Identifiers: Orphanet 140162, MedGen C0027672, MeSH D009386, MONDO:0015356.

Submission:

Ambry Genetics
Classification: Uncertain significance for Hereditary cancer-predisposing syndrome. Last evaluated: 2021-09-28. Review status: criteria provided, single submitter. Criteria: Ambry Variant Classification Scheme 2023. Collection method: clinical testing. Allele origin: germline.
Comment: The c.1006+5G>A intronic variant results from a G to A substitution 5 nucleotides after coding exon 8 in the POT1 gene. This nucleotide position is highly conserved in available vertebrate species. In silico splice site analysis predicts that this alteration will weaken the native splice donor site; however direct evidence is insufficient (Ambry internal data). Since supporting evidence is limited at this time, the clinical significance of this alteration remains unclear.